The following is an entry in ClinVar:

ClinVar aggregate classification (germline): Uncertain significance (1 of 4 stars; one submission).

Conditions:
Bethlem myopathy 1A. Also called: Bethlem Muscular Dystrophy; MYOPATHY, BENIGN CONGENITAL, WITH CONTRACTURES; Bethlem myopathy 1. Identifiers: Orphanet 610, MedGen CN029274, MONDO:0024530, OMIM 158810.

Allele frequency attached by ClinVar (database versions not stated): TOPMed below 0.00001.
gnomAD v4.1: 27 of 1,602,844 alleles (0.0017%); highest among the groups gnomAD compares: Non-Finnish European, 0.0021%; no homozygotes.

Submission:

Labcorp Genetics (formerly Invitae), Labcorp
Classification: Uncertain significance for Bethlem myopathy 1A. Last evaluated: 2026-01-06. Review status: criteria provided, single submitter. Criteria: Invitae Variant Classification Sherloc (09022015). Collection method: clinical testing. Allele origin: germline.
Comment: This sequence change replaces alanine, which is neutral and non-polar, with valine, which is neutral and non-polar, at codon 992 of the COL6A1 protein (p.Ala992Val). This variant is not present in population databases (gnomAD no frequency). This variant has not been reported in the literature in individuals affected with COL6A1-related conditions. ClinVar contains an entry for this variant (Variation ID: 1003670). Invitae Evidence Modeling of protein sequence and biophysical properties (such as structural, functional, and spatial information, amino acid conservation, physicochemical variation, residue mobility, and thermodynamic stability) indicates that this missense variant is not expected to disrupt COL6A1 protein function with a negative predictive value of 95%. In summary, the available evidence is currently insufficient to determine the role of this variant in disease. Therefore, it has been classified as a Variant of Uncertain Significance.

NM_001848.3(COL6A1):c.2975C>T (p.Ala992Val)

Gene: COL6A1 (collagen type VI alpha 1 chain; plus strand). Cytogenetic location: 21q22.3.
Variant type: single nucleotide variant.
Coding change: c.2975C>T on transcript NM_001848.3 (MANE Select); coding-DNA position 2975, C replaced by T.
Protein change: p.Ala992Val; replaces alanine 992 with valine.
Molecular consequence: missense variant.
Genome position (GRCh38, 1-based): chr21:46,003,901, C>T. VCF-style: chr21-46003901-C-T. GRCh37 (hg19) VCF-style: chr21-47423815-C-T.
Other names: short protein forms A992V.
Identifiers: ClinVar variation 1003670 (VCV001003670.9), dbSNP rs1316734507, ClinGen allele CA410541678.